The following is an entry in ClinVar:

ClinVar aggregate classification (germline): Likely benign. Review status: criteria provided, multiple submitters, no conflicts (2 of 4 stars). 2 submissions from 2 submitters: Likely benign (2). Last evaluated 2026-06-01.

Submissions (2):

CeGaT Center for Human Genetics Tuebingen
Classification: Likely benign. Last evaluated: 2026-06-01. Review status: criteria provided, single submitter. Criteria: CeGaT Center For Human Genetics Tuebingen Variant Classification Criteria Version 2. Collection method: clinical testing. Allele origin: germline. Affected: yes. Observed: 1 variant allele.
Comment: TUBB4B: BP4, BP7

Blueprint Genetics
Classification: Likely benign. Last evaluated: 2022-09-26. Review status: criteria provided, single submitter. Criteria: ACMG Guidelines, 2015. Collection method: clinical testing. Allele origin: germline.

NM_006088.6(TUBB4B):c.816A>G (p.Pro272=)

Gene: TUBB4B (tubulin beta 4B class IVb; plus strand). Cytogenetic location: 9q34.3.
Variant type: single nucleotide variant.
Coding change: c.816A>G on transcript NM_006088.6 (MANE Select); coding-DNA position 816, A replaced by G.
Protein change: p.Pro272=; no amino-acid change (proline 272 retained).
Molecular consequence: synonymous variant.
Genome position (GRCh38, 1-based): chr9:137,243,034, A>G. VCF-style: chr9-137243034-A-G. GRCh37 (hg19) VCF-style: chr9-140137486-A-G.
Identifiers: ClinVar variation 4872369 (VCV004872369.3).